The following is an entry in ClinVar:

NM_005902.4(SMAD3):c.532+16G>A

Gene: SMAD3 (SMAD family member 3; plus strand). Cytogenetic location: 15q22.33.
Variant type: single nucleotide variant.
Coding change: c.532+16G>A on transcript NM_005902.4 (MANE Select); 16 bases into the intron after coding-DNA position 532, G replaced by A.
Molecular consequence: intron variant.
Genome position (GRCh38, 1-based): chr15:67,165,400, G>A. VCF-style: chr15-67165400-G-A. GRCh37 (hg19) VCF-style: chr15-67457738-G-A.
Other names: c.217+16G>A (NM_001145102.2); c.400+16G>A (NM_001145103.2).
Identifiers: ClinVar variation 668238 (VCV000668238.1), dbSNP rs1595942399, ClinGen allele CA915946040.

ClinVar aggregate classification (germline): Likely benign (1 of 4 stars; one submission).

Allele frequency attached by ClinVar (database versions not stated): gnomAD exomes below 0.00001.
gnomAD v4.1: 1 of 1,613,486 alleles (0.000062%); highest among the groups gnomAD compares: South Asian, 0.0011%; no homozygotes.

Submission:

GeneDx
Classification: Likely benign. Last evaluated: 2018-05-09. Review status: criteria provided, single submitter. Criteria: GeneDx Variant Classification (06012015). Collection method: clinical testing. Allele origin: germline. Affected: yes.
Comment: This variant is considered likely benign or benign based on one or more of the following criteria: it is a conservative change, it occurs at a poorly conserved position in the protein, it is predicted to be benign by multiple in silico algorithms, and/or has population frequency not consistent with disease.